The following is an entry in ClinVar:

ClinVar aggregate classification (germline): Likely benign. Review status: criteria provided, multiple submitters, no conflicts (2 of 4 stars). 2 submissions from 2 submitters: Likely benign (2). Last evaluated 2026-01-21.

Conditions:
COL2A1-related disorder. Also called: COL2A1-related condition; COL2A1-related disorders.

Submissions (2):

Labcorp Genetics (formerly Invitae), Labcorp
Classification: Likely benign. Last evaluated: 2026-01-21. Review status: criteria provided, single submitter. Criteria: Invitae Variant Classification Sherloc (09022015). Collection method: clinical testing. Allele origin: germline.

PreventionGenetics, part of Exact Sciences
Classification: Likely benign for COL2A1-related condition. Last evaluated: 2025-08-26. Review status: criteria provided, single submitter. Criteria: ACMG Guidelines, 2015. Collection method: clinical testing. Allele origin: germline.
Comment: This variant is classified as likely benign based on ACMG/AMP sequence variant interpretation guidelines (Richards et al. 2015 PMID: 25741868, with internal and published modifications).

NM_001844.5(COL2A1):c.1069-27_1069-12dup

Gene: COL2A1 (collagen type II alpha 1 chain; minus strand). Cytogenetic location: 12q13.11.
Variant type: Duplication.
Coding change: c.1069-27_1069-12dup on transcript NM_001844.5 (MANE Select); 27 bases into the intron before coding-DNA position 1069 through 12 bases into the intron before coding-DNA position 1069, 16 bases duplicated (CTCTTCTCATCCGCCT).
Molecular consequence: intron variant.
Genome position (GRCh38, 1-based): chr12:47,989,293-47,989,308, AGGCGGATGAGAAGAG duplicated on the plus strand (CTCTTCTCATCCGCCT on the coding strand, the reverse complement: COL2A1 is on the minus strand); duplicating any 16 consecutive bases within chr12:47,989,293-47,989,311 gives the same sequence; the c. name uses the placement nearest the transcript's 3' end. VCF-style (leftmost placement, unchanged base first): chr12-47989292-T-TAGGCGGATGAGAAGAG. GRCh37 (hg19) VCF-style: chr12-48383075-T-TAGGCGGATGAGAAGAG.
Other names: c.862-27_862-12dup (NM_033150.3); c.1069-27_1069-12dup16 (NM_001844.4).
Identifiers: ClinVar variation 2082067 (VCV002082067.5), dbSNP rs1178244385, ClinGen allele CA604853443.